The following is an entry in ClinVar:

ClinVar aggregate classification (germline): Uncertain significance (1 of 4 stars; one submission).

Conditions:
Ataxia-telangiectasia syndrome (AT). Also called: Ataxia-telangiectasia; AT, COMPLEMENTATION GROUP C; ATAXIA-TELANGIECTASIA, COMPLEMENTATION GROUP A; ATAXIA-TELANGIECTASIA, FRESNO VARIANT; Ataxia-telangiectasia, complementation group E; LOUIS-BAR SYNDROME. Identifiers: Orphanet 100, MedGen C0004135, MONDO:0008840, OMIM 208900.

Submission:

Labcorp Genetics (formerly Invitae), Labcorp
Classification: Uncertain significance for Ataxia-telangiectasia syndrome. Last evaluated: 2022-03-26. Review status: criteria provided, single submitter. Criteria: Invitae Variant Classification Sherloc (09022015). Collection method: clinical testing. Allele origin: germline.
Comment: This variant has not been reported in the literature in individuals affected with ATM-related conditions. This variant is not present in population databases (gnomAD no frequency). This sequence change falls in intron 10 of the ATM gene. It does not directly change the encoded amino acid sequence of the ATM protein. Algorithms developed to predict the effect of sequence changes on RNA splicing suggest that this variant may disrupt the consensus splice site. In summary, the available evidence is currently insufficient to determine the role of this variant in disease. Therefore, it has been classified as a Variant of Uncertain Significance.

NM_000051.4(ATM):c.1608-5T>C

Gene: ATM (ATM serine/threonine kinase; plus strand). Cytogenetic location: 11q22.3.
Variant type: single nucleotide variant.
Coding change: c.1608-5T>C on transcript NM_000051.4 (MANE Select); 5 bases into the intron before coding-DNA position 1608, T replaced by C.
Molecular consequence: intron variant.
Genome position (GRCh38, 1-based): chr11:108,251,832, T>C. VCF-style: chr11-108251832-T-C. GRCh37 (hg19) VCF-style: chr11-108122559-T-C.
Other names: c.1608-5T>C (NM_001351834.2).
Identifiers: ClinVar variation 2116938 (VCV002116938.2), dbSNP rs2497266084, ClinGen allele CA2580083789.
Genomic context (GRCh38, chr11:108,251,832, plus strand): 5'-TGATAGATAAAGTCTTTGCCCCTCCAATAGCTTGCTTTTCACAATTGTCCTTTGTTTTGT[T>C]ATAGTCCTGCAGTATGCTGTTTGACTTTGGCACTGACCACCAGTATAGTTCCAGGAACGG-3'